The following is an entry in ClinVar:

ClinVar aggregate classification (germline): Uncertain significance (1 of 4 stars; one submission).

Conditions:
Primary ciliary dyskinesia. Also called: Ciliary dyskinesia. Identifiers: Orphanet 244, MedGen C0008780, MONDO:0016575, HP:0012265.

gnomAD v4.1: 21 of 1,606,712 alleles (0.0013%); highest among the groups gnomAD compares: Middle Eastern, 0.016%; no homozygotes.

Submission:

Ambry Genetics
Classification: Uncertain significance for Primary ciliary dyskinesia. Last evaluated: 2024-12-21. Review status: criteria provided, single submitter. Criteria: Ambry Variant Classification Scheme 2023. Collection method: clinical testing. Allele origin: germline.
Comment: The p.R631W variant (also known as c.1891C>T), located in coding exon 14 of the CCDC39 gene, results from a C to T substitution at nucleotide position 1891. The arginine at codon 631 is replaced by tryptophan, an amino acid with dissimilar properties. This amino acid position is conserved. In addition, this alteration is predicted to be deleterious by in silico analysis. Based on the available evidence, the clinical significance of this variant remains unclear.

NM_181426.2(CCDC39):c.1891C>T (p.Arg631Trp)

Gene: CCDC39 (coiled-coil domain 39 molecular ruler complex subunit; minus strand). Cytogenetic location: 3q26.33.
Variant type: single nucleotide variant.
Coding change: c.1891C>T on transcript NM_181426.2 (MANE Select); coding-DNA position 1891, C replaced by T.
Protein change: p.Arg631Trp; replaces arginine 631 with tryptophan.
Molecular consequence: missense variant.
Genome position (GRCh38, 1-based): chr3:180,631,576, G>A on the plus strand (C>T on the coding strand, the complement: CCDC39 is on the minus strand). VCF-style: chr3-180631576-G-A. GRCh37 (hg19) VCF-style: chr3-180349364-G-A.
Other names: short protein forms R631W.
Identifiers: ClinVar variation 3828619 (VCV003828619.1).